The following is an entry in ClinVar:

NM_015087.5(SPART):c.*924C>A

Gene: SPART (spartin; minus strand). Cytogenetic location: 13q13.3.
Variant type: single nucleotide variant.
Coding change: c.*924C>A on transcript NM_015087.5 (MANE Select); 924 bases downstream of the stop codon, C replaced by A.
Molecular consequence: 3 prime UTR variant.
Genome position (GRCh38, 1-based): chr13:36,303,441, G>T on the plus strand (C>A on the coding strand, the complement: SPART is on the minus strand). VCF-style: chr13-36303441-G-T. GRCh37 (hg19) VCF-style: chr13-36877578-G-T.
Other names: c.*924C>A (NM_001142294.2, NM_001142295.2, NM_001142296.2).
Identifiers: ClinVar variation 311751 (VCV000311751.6), dbSNP rs7333861, ClinGen allele CA10634154.

ClinVar aggregate classification (germline): Likely benign. Review status: criteria provided, multiple submitters, no conflicts (2 of 4 stars). 2 submissions from 2 submitters: Likely benign (2). Last evaluated 2017-04-27.

Conditions:
Troyer syndrome (SPG20). Identifiers: Orphanet 101000, MedGen C0393559, MONDO:0010156, OMIM 275900.

Allele frequency attached by ClinVar (database versions not stated): gnomAD 0.23384 and 0.24018; TOPMed 0.23818; 1000 Genomes Project 30x 0.27858; 1000 Genomes Project 0.28395.

Submissions (2):

Illumina Laboratory Services, Illumina
Classification: Likely benign for Troyer syndrome. Last evaluated: 2017-04-27. Review status: criteria provided, single submitter. Criteria: ICSL Variant Classification Criteria 13 December 2019. Collection method: clinical testing. Allele origin: germline.
Comment: This variant was observed as part of a predisposition screen in an ostensibly healthy population. A literature search was performed for the gene, cDNA change, and amino acid change (where applicable). No publications were found based on this search. Allele frequency data from public databases allowed determination this variant is unlikely to cause disease. Therefore, this variant is classified as likely benign.

Breakthrough Genomics
Classification: Likely benign. Review status: criteria provided, single submitter. Criteria: ACMG Guidelines, 2015. Collection method: not provided. Allele origin: germline. Inheritance: Autosomal recessive inheritance. Affected: yes.